The following is an entry in ClinVar:

NM_001142864.4(PIEZO1):c.4319C>T (p.Ala1440Val)

Gene: PIEZO1 (piezo type mechanosensitive ion channel component 1 (Er blood group); minus strand). Cytogenetic location: 16q24.3.
Variant type: single nucleotide variant.
Coding change: c.4319C>T on transcript NM_001142864.4 (MANE Select); coding-DNA position 4319, C replaced by T.
Protein change: p.Ala1440Val; replaces alanine 1440 with valine.
Molecular consequence: missense variant.
Genome position (GRCh38, 1-based): chr16:88,723,887, G>A on the plus strand (C>T on the coding strand, the complement: PIEZO1 is on the minus strand). VCF-style: chr16-88723887-G-A. GRCh37 (hg19) VCF-style: chr16-88790295-G-A.
Other names: short protein forms A1440V.
Identifiers: ClinVar variation 5041602 (VCV005041602.1).

ClinVar aggregate classification (germline): Uncertain significance (1 of 4 stars; one submission).

Submission:

CeGaT Center for Human Genetics Tuebingen
Classification: Uncertain significance. Last evaluated: 2026-09-01. Review status: criteria provided, single submitter. Criteria: CeGaT Center For Human Genetics Tuebingen Variant Classification Criteria Version 2. Collection method: clinical testing. Allele origin: germline. Affected: yes. Observed: 1 variant allele.
Comment: PIEZO1: PM2, BP4